The following is an entry in ClinVar:

ClinVar aggregate classification (germline): Uncertain significance (1 of 4 stars; one submission).

Conditions:
Wolman disease (WOLD). Also called: Acid cholesteryl ester hydrolase deficiency, Wolman type; Acid lipase disease; LYSOSOMAL ACID LIPASE DEFICIENCY, ACUTE INFANTILE; LYSOSOMAL ACID LIPASE DEFICIENCY, COMPLETE; LIPA DEFICIENCY, COMPLETE; LAL DEFICIENCY, COMPLETE. Identifiers: Orphanet 75233, MedGen C0043208, MONDO:0019148, OMIM 620151.

gnomAD v4.1: 9 of 1,614,054 alleles (0.00056%); highest among the groups gnomAD compares: South Asian, 0.0077%; no homozygotes.

Submission:

Labcorp Genetics (formerly Invitae), Labcorp
Classification: Uncertain significance for Wolman disease. Last evaluated: 2022-07-23. Review status: criteria provided, single submitter. Criteria: Invitae Variant Classification Sherloc (09022015). Collection method: clinical testing. Allele origin: germline.
Comment: This sequence change replaces alanine, which is neutral and non-polar, with threonine, which is neutral and polar, at codon 207 of the LIPA protein (p.Ala207Thr). This variant is present in population databases (rs775445402, gnomAD 0.003%). This variant has not been reported in the literature in individuals affected with LIPA-related conditions. Algorithms developed to predict the effect of missense changes on protein structure and function (SIFT, PolyPhen-2, Align-GVGD) all suggest that this variant is likely to be tolerated. In summary, the available evidence is currently insufficient to determine the role of this variant in disease. Therefore, it has been classified as a Variant of Uncertain Significance.

NM_000235.4(LIPA):c.619G>A (p.Ala207Thr)

Gene: LIPA (lipase A, lysosomal acid type; minus strand). Cytogenetic location: 10q23.31.
Variant type: single nucleotide variant.
Coding change: c.619G>A on transcript NM_000235.4 (MANE Select); coding-DNA position 619, G replaced by A.
Protein change: p.Ala207Thr; replaces alanine 207 with threonine.
Molecular consequence: missense variant.
Genome position (GRCh38, 1-based): chr10:89,225,148, C>T on the plus strand (G>A on the coding strand, the complement: LIPA is on the minus strand). VCF-style: chr10-89225148-C-T. GRCh37 (hg19) VCF-style: chr10-90984905-C-T.
Other names: c.619G>A, p.Ala207Thr (NM_001127605.3); c.271G>A, p.Ala91Thr (NM_001288979.2); short protein forms A207T, A91T.
Identifiers: ClinVar variation 1899459 (VCV001899459.2), dbSNP rs775445402, ClinGen allele CA5593669.
Genomic context (GRCh38, chr10:89,225,148, plus strand): 5'-GTACCTTAATGAGATGATCTGGTAATCGTCCTAATTTGGCCATAGGGCTAGTACAGAAGG[C>T]GACGGAAGCCACAGGACCCAGGGCAAAAAACATTTTAATCCTTTTAGCCAGCTCAGGGAT-3'
Protein context (NP_000226.2, residues 197-217): FFALGPVASV[Ala207Thr]FCTSPMAKLG